The following is an entry in ClinVar:

NM_003721.4(RFXANK):c.380C>G (p.Pro127Arg)

Gene: RFXANK (regulatory factor X associated ankyrin containing protein; plus strand). Cytogenetic location: 19p13.11.
Variant type: single nucleotide variant.
Coding change: c.380C>G on transcript NM_003721.4 (MANE Select); coding-DNA position 380, C replaced by G.
Protein change: p.Pro127Arg; replaces proline 127 with arginine.
Molecular consequence: missense variant.
Genome position (GRCh38, 1-based): chr19:19,197,563, C>G. VCF-style: chr19-19197563-C-G. GRCh37 (hg19) VCF-style: chr19-19308372-C-G.
Other names: c.314C>G, p.Pro105Arg (NM_001278727.2, NM_001370234.1); c.311C>G, p.Pro104Arg (NM_001278728.2, NM_134440.3); c.380C>G, p.Pro127Arg (NM_001370233.1, NM_001370238.1); c.377C>G, p.Pro126Arg (NM_001370235.1, NM_001370236.1, NM_001370237.1); short protein forms P104R, P105R, P126R, P127R.
Identifiers: ClinVar variation 1714663 (VCV001714663.5), dbSNP rs2060623200, ClinGen allele CA404894635.
Genomic context (GRCh38, chr19:19,197,563, plus strand): 5'-CCCGCCTCCTCCTGCCAGGTGACAACCTCGTCAACAAGCCAGACGAGCGCGGCTTCACCC[C>G]CCTCATCTGGGCCTCCGCCTTTGGAGAGATTGAGACCGTTCGCTTCCTGCTGGAGTGGGT-3'
Protein context (NP_003712.1, residues 117-137): VNKPDERGFT[Pro127Arg]LIWASAFGEI

ClinVar aggregate classification (germline): Uncertain significance (1 of 4 stars; one submission).

Conditions:
MHC class II deficiency. Also called: Bare lymphocyte syndrome 2; BLS, TYPE II. Identifiers: Orphanet 572, MedGen C5447452, MONDO:0008855.

Submission:

Labcorp Genetics (formerly Invitae), Labcorp
Classification: Uncertain significance for MHC class II deficiency. Last evaluated: 2022-08-16. Review status: criteria provided, single submitter. Criteria: Invitae Variant Classification Sherloc (09022015). Collection method: clinical testing. Allele origin: germline.
Comment: This variant is not present in population databases (gnomAD no frequency). In summary, the available evidence is currently insufficient to determine the role of this variant in disease. Therefore, it has been classified as a Variant of Uncertain Significance. Algorithms developed to predict the effect of missense changes on protein structure and function (SIFT, PolyPhen-2, Align-GVGD) all suggest that this variant is likely to be disruptive. This variant has not been reported in the literature in individuals affected with RFXANK-related conditions. This sequence change replaces proline, which is neutral and non-polar, with arginine, which is basic and polar, at codon 127 of the RFXANK protein (p.Pro127Arg).